The following is an entry in ClinVar:

ClinVar aggregate classification (germline): Pathogenic (1 of 4 stars; one submission).

Conditions:
Inborn genetic diseases. Identifiers: MedGen C0950123, MeSH D030342.

Submission:

Ambry Genetics
Classification: Pathogenic for Inborn genetic diseases. Last evaluated: 2023-05-26. Review status: criteria provided, single submitter. Criteria: Ambry Variant Classification Scheme 2023. Collection method: clinical testing. Allele origin: germline.
Comment: The c.7037_7040dupCATC (p.Q2348Ifs*176) alteration, located in coding exon 21 of the BPTF gene, consists of a duplication of CATC at position 7037, causing a translational frameshift with a predicted alternate stop codon after 176 amino acids. This alteration is expected to result in loss of function by premature protein truncation or nonsense-mediated mRNA decay. This variant was not reported in population-based cohorts in the Genome Aggregation Database (gnomAD). Based on the available evidence, this alteration is classified as pathogenic.

NM_182641.4(BPTF):c.7037_7040dup (p.Gln2348fs)

Gene: BPTF (bromodomain PHD finger transcription factor; plus strand). Cytogenetic location: 17q24.2.
Variant type: Duplication.
Coding change: c.7037_7040dup on transcript NM_182641.4 (MANE Select); coding-DNA positions 7037 to 7040, 4 bases duplicated (CATC; older notation c.7037_7040dupCATC).
Protein change: p.Gln2348fs; shifts the reading frame from glutamine 2348.
Molecular consequence: frameshift variant.
Genome position (GRCh38, 1-based): chr17:67,945,745-67,945,748, CATC duplicated; duplicating any 4 consecutive bases within chr17:67,945,743-67,945,748 gives the same sequence; the c. name uses the placement nearest the transcript's 3' end. VCF-style (leftmost placement, unchanged base first): chr17-67945742-G-GTCCA. GRCh37 (hg19) VCF-style: chr17-65941858-G-GTCCA.
Other names: c.7415_7418dup, p.Gln2474fs (NM_004459.7); short protein forms Q2474fs, Q2348fs.
Identifiers: ClinVar variation 2536022 (VCV002536022.2), dbSNP rs2512536891, ClinGen allele CA2580613234.